The following is an entry in ClinVar:

ClinVar aggregate classification (germline): Uncertain significance (1 of 4 stars; one submission).

Conditions:
Familial thoracic aortic aneurysm and aortic dissection (TAAD). Also called: Thoracic aortic aneurysms and dissections. Identifiers: Orphanet 91387, MedGen C4707243, MONDO:0019625.

gnomAD v4.1: 17 of 1,614,154 alleles (0.0011%); highest among the groups gnomAD compares: South Asian, 0.0022%; no homozygotes.

Submission:

Color Diagnostics, LLC DBA Color Health
Classification: Uncertain significance for Familial thoracic aortic aneurysm and aortic dissection. Last evaluated: 2023-11-08. Review status: criteria provided, single submitter. Criteria: ACMG Guidelines, 2015. Collection method: clinical testing. Allele origin: germline.
Comment: This missense variant replaces alanine with threonine at codon 1475 of the MYH11 protein. Computational prediction suggests that this variant may not impact protein structure and function. To our knowledge, functional studies have not been reported for this variant. This variant has not been reported in individuals affected with MYH11-related disorders in the literature. This variant has not been identified in the general population by the Genome Aggregation Database (gnomAD). The available evidence is insufficient to determine the role of this variant in disease conclusively. Therefore, this variant is classified as a Variant of Uncertain Significance.

NM_002474.3(MYH11):c.4402G>A (p.Ala1468Thr)

Genes: NDE1 (nudE neurodevelopment protein 1; plus strand), MYH11 (myosin heavy chain 11; minus strand). Cytogenetic location: 16p13.11.
Variant type: single nucleotide variant.
Coding change: c.4402G>A on transcript NM_002474.3 (MANE Select); coding-DNA position 4402, G replaced by A.
Protein change: p.Ala1468Thr; replaces alanine 1468 with threonine.
Molecular consequence: missense variant. On other transcripts: intron variant (2).
Genome position (GRCh38, 1-based): chr16:15,721,598, C>T on the plus strand (G>A on the coding strand, the complement: MYH11 is on the minus strand). VCF-style: chr16-15721598-C-T. GRCh37 (hg19) VCF-style: chr16-15815455-C-T.
Other names: c.4423G>A, p.Ala1475Thr (NM_001040113.2, NM_001040114.2); c.4402G>A, p.Ala1468Thr (NM_022844.3); c.948-2593C>T (NM_001143979.2, NM_017668.3); short protein forms A1468T, A1475T.
Identifiers: ClinVar variation 4758423 (VCV004758423.1).